The following is an entry in ClinVar:

ClinVar aggregate classification (germline): Uncertain significance (1 of 4 stars; one submission).

Submission:

Labcorp Genetics (formerly Invitae), Labcorp
Classification: Uncertain significance. Last evaluated: 2025-12-17. Review status: criteria provided, single submitter. Criteria: Invitae Variant Classification Sherloc (09022015). Collection method: clinical testing. Allele origin: germline.
Comment: This sequence change replaces phenylalanine, which is neutral and non-polar, with isoleucine, which is neutral and non-polar, at codon 1442 of the ADCY10 protein (p.Phe1442Ile). This variant is not present in population databases (gnomAD no frequency). This variant has not been reported in the literature in individuals affected with ADCY10-related conditions. An algorithm developed to predict the effect of missense changes on protein structure and function (PolyPhen-2) suggests that this variant is likely to be tolerated. In summary, the available evidence is currently insufficient to determine the role of this variant in disease. Therefore, it has been classified as a Variant of Uncertain Significance.

NM_018417.6(ADCY10):c.4324T>A (p.Phe1442Ile)

Gene: ADCY10 (adenylate cyclase 10; minus strand). Cytogenetic location: 1q24.2.
Variant type: single nucleotide variant.
Coding change: c.4324T>A on transcript NM_018417.6 (MANE Select); coding-DNA position 4324, T replaced by A.
Protein change: p.Phe1442Ile; replaces phenylalanine 1442 with isoleucine.
Molecular consequence: missense variant.
Genome position (GRCh38, 1-based): chr1:167,818,230, A>T on the plus strand (T>A on the coding strand, the complement: ADCY10 is on the minus strand). VCF-style: chr1-167818230-A-T. GRCh37 (hg19) VCF-style: chr1-167787468-A-T.
Other names: c.3865T>A, p.Phe1289Ile (NM_001167749.3); c.4048T>A, p.Phe1350Ile (NM_001297772.2); short protein forms F1289I, F1442I, F1350I.
Identifiers: ClinVar variation 4723765 (VCV004723765.1).